The following is an entry in ClinVar:

NM_138295.5(PKD1L1):c.1446C>T (p.Asn482=)

Gene: PKD1L1 (polycystin 1 like 1, transient receptor potential channel interacting; minus strand). Cytogenetic location: 7p12.3.
Variant type: single nucleotide variant.
Coding change: c.1446C>T on transcript NM_138295.5 (MANE Select); coding-DNA position 1446, C replaced by T.
Protein change: p.Asn482=; no amino-acid change (asparagine 482 retained).
Molecular consequence: synonymous variant.
Genome position (GRCh38, 1-based): chr7:47,905,919, G>A on the plus strand (C>T on the coding strand, the complement: PKD1L1 is on the minus strand). VCF-style: chr7-47905919-G-A. GRCh37 (hg19) VCF-style: chr7-47945516-G-A.
Identifiers: ClinVar variation 4986498 (VCV004986498.1).

ClinVar aggregate classification (germline): Likely benign (1 of 4 stars; one submission).

Conditions:
PKD1L1-related disorder. Also called: PKD1L1-related condition.

gnomAD v4.1: 44 of 1,612,934 alleles (0.0027%); highest among the groups gnomAD compares: Admixed American, 0.005%; 1 homozygote.

Submission:

PreventionGenetics, part of Exact Sciences
Classification: Likely benign for PKD1L1-related condition. Last evaluated: 2026-04-27. Review status: criteria provided, single submitter. Criteria: ACMG Guidelines, 2015. Collection method: clinical testing. Allele origin: germline.
Comment: This variant is classified as likely benign based on ACMG/AMP sequence variant interpretation guidelines (Richards et al. 2015 PMID: 25741868, with internal and published modifications).